The following is an entry in ClinVar:

NM_004629.2(FANCG):c.26G>A (p.Gly9Asp)

Gene: FANCG (FA complementation group G; minus strand). Cytogenetic location: 9p13.3.
Variant type: single nucleotide variant.
Coding change: c.26G>A on transcript NM_004629.2 (MANE Select); coding-DNA position 26, G replaced by A.
Protein change: p.Gly9Asp; replaces glycine 9 with aspartic acid.
Molecular consequence: missense variant.
Genome position (GRCh38, 1-based): chr9:35,079,499, C>T on the plus strand (G>A on the coding strand, the complement: FANCG is on the minus strand). VCF-style: chr9-35079499-C-T. GRCh37 (hg19) VCF-style: chr9-35079496-C-T.
Other names: short protein forms G9D.
Identifiers: ClinVar variation 4870991 (VCV004870991.1).

ClinVar aggregate classification (germline): Uncertain significance (1 of 4 stars; one submission).

Conditions:
Inborn genetic diseases. Identifiers: MedGen C0950123, MeSH D030342.

Submission:

Ambry Genetics
Classification: Uncertain significance for Inborn genetic diseases. Last evaluated: 2026-04-22. Review status: criteria provided, single submitter. Criteria: Ambry Variant Classification Scheme 2023. Collection method: clinical testing. Allele origin: germline.
Comment: The p.G9D variant (also known as c.26G>A), located in coding exon 1 of the FANCG gene, results from a G to A substitution at nucleotide position 26. The glycine at codon 9 is replaced by aspartic acid, an amino acid with similar properties. This amino acid position is conserved. In addition, this alteration is predicted to be tolerated by in silico analysis. Based on the available evidence, the clinical significance of this variant remains unclear.